The following is an entry in ClinVar:

NM_022166.4(XYLT1):c.2827C>T (p.Pro943Ser)

Gene: XYLT1 (xylosyltransferase 1; minus strand). Cytogenetic location: 16p12.3.
Variant type: single nucleotide variant.
Coding change: c.2827C>T on transcript NM_022166.4 (MANE Select); coding-DNA position 2827, C replaced by T.
Protein change: p.Pro943Ser; replaces proline 943 with serine.
Molecular consequence: missense variant.
Genome position (GRCh38, 1-based): chr16:17,108,748, G>A on the plus strand (C>T on the coding strand, the complement: XYLT1 is on the minus strand). VCF-style: chr16-17108748-G-A. GRCh37 (hg19) VCF-style: chr16-17202605-G-A.
Other names: short protein forms P943S.
Identifiers: ClinVar variation 2084140 (VCV002084140.3), dbSNP rs1404978711, ClinGen allele CA395217465.

ClinVar aggregate classification (germline): Uncertain significance (1 of 4 stars; one submission).

Conditions:
Desbuquois dysplasia 1 (DBQD1). Also called: DESBUQUOIS DYSPLASIA 1, KIM VARIANT; MICROMELIC DWARFISM WITH VERTEBRAL AND METAPHYSEAL ABNORMALITIES AND ADVANCED CARPOTARSAL OSSIFICATION. Identifiers: Orphanet 1425, MedGen C4012146, MONDO:0009629, OMIM 251450.

Allele frequency attached by ClinVar (database versions not stated): TOPMed below 0.00001; gnomAD 0.00001.
gnomAD v4.1: 4 of 1,605,894 alleles (0.00025%); highest among the groups gnomAD compares: South Asian, 0.0033%; no homozygotes.

Submission:

Labcorp Genetics (formerly Invitae), Labcorp
Classification: Uncertain significance for Desbuquois dysplasia 1. Last evaluated: 2023-12-11. Review status: criteria provided, single submitter. Criteria: Invitae Variant Classification Sherloc (09022015). Collection method: clinical testing. Allele origin: germline.
Comment: This sequence change replaces proline, which is neutral and non-polar, with serine, which is neutral and polar, at codon 943 of the XYLT1 protein (p.Pro943Ser). The frequency data for this variant in the population databases is considered unreliable, as metrics indicate poor data quality at this position in the gnomAD database. This variant has not been reported in the literature in individuals affected with XYLT1-related conditions. ClinVar contains an entry for this variant (Variation ID: 2084140). Advanced modeling of protein sequence and biophysical properties (such as structural, functional, and spatial information, amino acid conservation, physicochemical variation, residue mobility, and thermodynamic stability) performed at Invitae indicates that this missense variant is not expected to disrupt XYLT1 protein function with a negative predictive value of 80%. In summary, the available evidence is currently insufficient to determine the role of this variant in disease. Therefore, it has been classified as a Variant of Uncertain Significance.